The following is an entry in ClinVar:

ClinVar aggregate classification (germline): Pathogenic (1 of 4 stars; one submission).

Conditions:
Ehlers-Danlos syndrome, dermatosparaxis type. Also called: Dermatosparaxis; EDS VIIC; Ehlers-Danlos syndrome, type VII, autosomal recessive. Identifiers: Orphanet 1901, MedGen C2700425, MONDO:0009161, OMIM 225410.

Allele frequency attached by ClinVar (database versions not stated): gnomAD 0.00001.
gnomAD v4.1: 1 of 1,612,618 alleles (0.000062%); highest among the groups gnomAD compares: East Asian, 0.0022%; no homozygotes.

Submission:

Labcorp Genetics (formerly Invitae), Labcorp
Classification: Pathogenic for Ehlers-Danlos syndrome, dermatosparaxis type. Last evaluated: 2023-02-11. Review status: criteria provided, single submitter. Criteria: Invitae Variant Classification Sherloc (09022015). Collection method: clinical testing. Allele origin: germline.
Comment: For these reasons, this variant has been classified as Pathogenic. This variant has not been reported in the literature in individuals affected with ADAMTS2-related conditions. This variant is present in population databases (no rsID available, gnomAD 0.06%). This sequence change creates a premature translational stop signal (p.Trp923*) in the ADAMTS2 gene. It is expected to result in an absent or disrupted protein product. Loss-of-function variants in ADAMTS2 are known to be pathogenic (PMID: 10417273).

Literature cited by the submitters: PubMed 10417273.

NM_014244.5(ADAMTS2):c.2768G>A (p.Trp923Ter)

Gene: ADAMTS2 (ADAM metallopeptidase with thrombospondin type 1 motif 2; minus strand). Cytogenetic location: 5q35.3.
Variant type: single nucleotide variant.
Coding change: c.2768G>A on transcript NM_014244.5 (MANE Select); coding-DNA position 2768, G replaced by A.
Protein change: p.Trp923Ter; replaces tryptophan 923 with a stop codon.
Molecular consequence: nonsense.
Genome position (GRCh38, 1-based): chr5:179,125,163, C>T on the plus strand (G>A on the coding strand, the complement: ADAMTS2 is on the minus strand). VCF-style: chr5-179125163-C-T. GRCh37 (hg19) VCF-style: chr5-178552164-C-T.
Other names: short protein forms W923*.
Identifiers: ClinVar variation 2836229 (VCV002836229.3), dbSNP rs1160288604, ClinGen allele CA362420821.
Genomic context (GRCh38, chr5:179,125,163, plus strand): 5'-ATGCAGCGCACGGAGCGCACCTGCATGCCTGTCCGCCCACAGGTCTGGCTACATGGCTCC[C>T]ATTCGCCTGTGACCCACCTGCCAGGGCAGAGCGGGGCACAGTCAGGCTTCCGCAGCACCT-3'